The following is an entry in ClinVar:

ClinVar aggregate classification (germline): Uncertain significance (1 of 4 stars; one submission).

Conditions:
Catecholaminergic polymorphic ventricular tachycardia (CVPT). Also called: Catecholamine-induced polymorphic ventricular tachycardia. Identifiers: Orphanet 3286, MedGen C5574922, MONDO:0017990.

Allele frequency attached by ClinVar (database versions not stated): TOPMed below 0.00001; gnomAD 0.00001.
gnomAD v4.1: 3 of 1,401,520 alleles (0.00021%); highest among the groups gnomAD compares: Non-Finnish European, 0.00029%; no homozygotes.

Submission:

All of Us Research Program, National Institutes of Health
Classification: Uncertain significance for Catecholaminergic polymorphic ventricular tachycardia. Last evaluated: 2023-07-19. Review status: criteria provided, single submitter. Criteria: ACMG Guidelines, 2015. Collection method: clinical testing. Allele origin: germline. Inheritance: Autosomal dominant inheritance. Observed: 1 variant allele, 1 heterozygote.
Comment: This missense variant replaces proline with alanine at codon 4641 of the RYR2 protein. Computational prediction suggests that this variant may have deleterious impact on protein structure and function (internally defined REVEL score threshold >= 0.7, PMID: 27666373). To our knowledge, functional studies have not been reported for this variant. This variant has not been reported in individuals affected with RYR2-related disorders in the literature. This variant has not been identified in the general population by the Genome Aggregation Database (gnomAD). The available evidence is insufficient to determine the role of this variant in disease conclusively. Therefore, this variant is classified as a Variant of Uncertain Significance.

This study involves interpretation of variants in research participants for the purpose of population health screening. Participant phenotype was not available at the time of variant classification. Additional details can be found in publication PMID: 35346344, PMCID: PMC8962531

NM_001035.3(RYR2):c.13921C>G (p.Pro4641Ala)

Gene: RYR2 (ryanodine receptor 2; plus strand). Cytogenetic location: 1q43.
Variant type: single nucleotide variant.
Coding change: c.13921C>G on transcript NM_001035.3 (MANE Select); coding-DNA position 13921, C replaced by G.
Protein change: p.Pro4641Ala; replaces proline 4641 with alanine.
Molecular consequence: missense variant.
Genome position (GRCh38, 1-based): chr1:237,795,296, C>G. VCF-style: chr1-237795296-C-G. GRCh37 (hg19) VCF-style: chr1-237958596-C-G.
Other names: short protein forms P4641A.
Identifiers: ClinVar variation 3072478 (VCV003072478.1), dbSNP rs1259504346, ClinGen allele CA345418556.